The following is an entry in ClinVar:

NM_181705.4(LYRM7):c.-16C>T

Gene: LYRM7 (LYR motif containing 7; plus strand). Cytogenetic location: 5q23.3.
Variant type: single nucleotide variant.
Coding change: c.-16C>T on transcript NM_181705.4 (MANE Select); 16 bases upstream of the start codon, C replaced by T.
Molecular consequence: 5 prime UTR variant. On other transcripts: non-coding transcript variant (1).
Genome position (GRCh38, 1-based): chr5:131,171,005, C>T. VCF-style: chr5-131171005-C-T. GRCh37 (hg19) VCF-style: chr5-130506698-C-T.
Other names: c.-16C>T (NM_001293735.2).
Identifiers: ClinVar variation 382373 (VCV000382373.1), dbSNP rs762250302, ClinGen allele CA3398693.

ClinVar aggregate classification (germline): Likely benign (1 of 4 stars; one submission).

Allele frequency attached by ClinVar (database versions not stated): gnomAD 0.00002; TOPMed 0.00002; ExAC 0.00003; gnomAD exomes 0.00005.
gnomAD v4.1: 28 of 1,543,608 alleles (0.0018%); highest among the groups gnomAD compares: Non-Finnish European, 0.0022%; no homozygotes.

Submission:

GeneDx
Classification: Likely benign. Last evaluated: 2016-02-09. Review status: criteria provided, single submitter. Criteria: GeneDx Variant Classification (06012015). Collection method: clinical testing. Allele origin: germline. Affected: yes.
Comment: This variant is considered likely benign or benign based on one or more of the following criteria: it is a conservative change, it occurs at a poorly conserved position in the protein, it is predicted to be benign by multiple in silico algorithms, and/or has population frequency not consistent with disease.